The following is an entry in ClinVar:

NM_002471.4(MYH6):c.4265G>C (p.Arg1422Pro)

Gene: MYH6 (myosin heavy chain 6; minus strand). Cytogenetic location: 14q11.2.
Variant type: single nucleotide variant.
Coding change: c.4265G>C on transcript NM_002471.4 (MANE Select); coding-DNA position 4265, G replaced by C.
Protein change: p.Arg1422Pro; replaces arginine 1422 with proline.
Molecular consequence: missense variant.
Genome position (GRCh38, 1-based): chr14:23,388,249, C>G on the plus strand (G>C on the coding strand, the complement: MYH6 is on the minus strand). VCF-style: chr14-23388249-C-G. GRCh37 (hg19) VCF-style: chr14-23857458-C-G.
Other names: short protein forms R1422P.
Identifiers: ClinVar variation 3915575 (VCV003915575.1).
Genomic context (GRCh38, chr14:23,388,249, plus strand): 5'-GCAGCAGCAGCATTGGAGCGCTCTACGTCCACCATCAAGTCCTCTATCTCATTCTGTAGC[C>G]GGTGCTTGGTCTTCTCCAGTGAGGAGCACTTGGCATTAACAGCCTCCACGGCCTCCTCGG-3'
Protein context (NP_002462.2, residues 1412-1432): KCSSLEKTKH[Arg1422Pro]LQNEIEDLMV

ClinVar aggregate classification (germline): Uncertain significance (1 of 4 stars; one submission).

Conditions:
Cardiovascular phenotype. Identifiers: MedGen CN230736.

Submission:

Ambry Genetics
Classification: Uncertain significance for Cardiovascular phenotype. Last evaluated: 2025-03-23. Review status: criteria provided, single submitter. Criteria: Ambry Variant Classification Scheme 2023. Collection method: clinical testing. Allele origin: germline.
Comment: The p.R1422P variant (also known as c.4265G>C), located in coding exon 28 of the MYH6 gene, results from a G to C substitution at nucleotide position 4265. The arginine at codon 1422 is replaced by proline, an amino acid with dissimilar properties. This amino acid position is conserved. In addition, this alteration is predicted to be deleterious by in silico analysis. Based on the available evidence, the clinical significance of this variant remains unclear.